The following is an entry in ClinVar:

NM_000474.4(TWIST1):c.96del (p.Lys33fs)

Gene: TWIST1 (twist family bHLH transcription factor 1; minus strand). Cytogenetic location: 7p21.1.
Variant type: Deletion.
Coding change: c.96del on transcript NM_000474.4 (MANE Select); coding-DNA position 96, one base deleted (C; older notation c.96delC).
Protein change: p.Lys33fs; shifts the reading frame from lysine 33.
Molecular consequence: frameshift variant. On other transcripts: non-coding transcript variant (1).
Genome position (GRCh38, 1-based): chr7:19,117,226, G deleted on the plus strand (C on the coding strand, the reverse complement: TWIST1 is on the minus strand). VCF-style (leftmost placement, unchanged base first): chr7-19117225-TG-T. GRCh37 (hg19) VCF-style: chr7-19156848-TG-T.
Other names: short protein forms K33fs.
Identifiers: ClinVar variation 817160 (VCV000817160.1), dbSNP rs1585617794, ClinGen allele CA915944887.
Genomic context (GRCh38, chr7:19,117,225, plus strand): 5'-CGGGCCCCGCGCCGCCGCCCGCGCTGCGCCTGCTGCTGCGCCGCTTGCGTCCCCCGCGCT[TG>T]CCGCTCGGCGGCTGCTGCCGGTCTGGCTCTTCCTCGCTGTTGCTCAGGCTGTCGTCGGCC-3'

ClinVar aggregate classification (germline): Likely pathogenic (1 of 4 stars; one submission).

Submission:

GeneDx
Classification: Likely pathogenic. Last evaluated: 2018-07-31. Review status: criteria provided, single submitter. Criteria: GeneDx Variant Classification (06012015). Collection method: clinical testing. Allele origin: germline. Affected: yes.
Comment: The c.96delC variant in the TWIST1 gene has not been reported previously as a pathogenic variant nor as a benign variant, to our knowledge. The c.96delC variant causes a frameshift starting with codon Lysine 33, changes this amino acid to a Serine residue, and creates a premature Stop codon at position 92 of the new reading frame, denoted p.Lys33SerfsX92. This variant is predicted to cause loss of normal protein function through protein truncation. The c.96delC variant is not observed in large population cohorts (Lek et al., 2016). We interpret c.96delC as a likely pathogenic variant.